The following is an entry in ClinVar:

ClinVar aggregate classification (germline): Pathogenic. Review status: criteria provided, multiple submitters, no conflicts (2 of 4 stars). 3 submissions from 3 submitters: Pathogenic (3). Last evaluated 2024-12-06.

Conditions:
Cardiovascular phenotype. Identifiers: MedGen CN230736.
Telangiectasia, hereditary hemorrhagic, type 1 (HHT1). Also called: ENG-Related Hereditary Hemorrhagic Telangiectasia; Osler Weber Rendu syndrome type 1. Identifiers: Orphanet 774, MedGen C4551861, MONDO:0008535, OMIM 187300. Disease mechanism: loss of function.

Submissions (3):

Dasa
Classification: Pathogenic. Last evaluated: 2024-12-06. Review status: criteria provided, single submitter. Criteria: DASA Assertion Criteria. Collection method: clinical testing. Allele origin: germline.
Comment: NM_001114753.3(ENG):c.1243C>T (p.Gln415*) introduces a premature termination codon predicted to result in loss of normal protein function. Loss-of-function is an established mechanism of disease for this gene. This variant has been reported in individuals with related phenotype (PMID: 16542389). The variant is present at low frequency in population datasets. Based on the available data, this variant is classified as pathogenic.

ARUP Laboratories, Molecular Genetics and Genomics, ARUP Laboratories
Classification: Pathogenic for Telangiectasia, hereditary hemorrhagic, type 1. Last evaluated: 2019-04-25. Review status: criteria provided, single submitter. Criteria: ARUP Molecular Germline Variant Investigation Process. Collection method: clinical testing. Allele origin: germline.
Comment: The ENG c.1243C>T; p.Gln415Ter variant (rs1343053876) is reported in the literature in an individual with HHT (Wehner 2006). This variant is absent from general population databases (Exome Variant Server, Genome Aggregation Database), indicating it is not a common polymorphism. This variant induces an early termination codon and is predicted to result in a truncated protein or mRNA subject to nonsense-mediated decay. Based on available information, this variant is considered to be pathogenic. REFERENCES Wehner LE et al. Mutation analysis in hereditary haemorrhagic telangiectasia in Germany reveals 11 novel ENG and 12 novel ACVRL1/ALK1 mutations. Clin Genet. 2006 Mar;69(3):239-45.

Ambry Genetics
Classification: Pathogenic for Cardiovascular phenotype. Last evaluated: 2016-09-20. Review status: criteria provided, single submitter. Criteria: Ambry Variant Classification Scheme 2023. Collection method: clinical testing. Allele origin: germline.
Comment: The p.Q415* pathogenic mutation (also known as c.1243C>T), located in coding exon 9 of the ENG gene, results from a C to T substitution at nucleotide position 1243. This changes the amino acid from a glutamine to a stop codon within coding exon 9. This mutation was identified in an individual with epistaxis, telangiectasias, and pulmonary arteriovenous malformations (Wehner LE et al. Clin. Genet., 2006 Mar;69:239-45). In addition to the clinical data presented in the literature, this alteration is expected to result in loss of function by premature protein truncation or nonsense-mediated mRNA decay. As such, this alteration is interpreted as a disease-causing mutation.

Literature cited by the submitters: PubMed 16542389 (cited by Dasa and Ambry Genetics).

NM_001114753.3(ENG):c.1243C>T (p.Gln415Ter)

Genes: ENG (endoglin; minus strand), LOC102723566 (uncharacterized LOC102723566; plus strand). Cytogenetic location: 9q34.11.
Variant type: single nucleotide variant.
Coding change: c.1243C>T on transcript NM_001114753.3 (MANE Select); coding-DNA position 1243, C replaced by T.
Protein change: p.Gln415Ter; replaces glutamine 415 with a stop codon.
Molecular consequence: nonsense.
Genome position (GRCh38, 1-based): chr9:127,819,929, G>A on the plus strand (C>T on the coding strand, the complement: ENG is on the minus strand). VCF-style: chr9-127819929-G-A. GRCh37 (hg19) VCF-style: chr9-130582208-G-A.
Other names: c.1243C>T, p.Gln415Ter (NM_000118.4); c.697C>T, p.Gln233Ter (NM_001278138.2); short protein forms Q233*, Q415*.
Identifiers: ClinVar variation 810953 (VCV000810953.10), dbSNP rs1343053876, ClinGen allele CA374978371.